The following is an entry in ClinVar:

ClinVar aggregate classification (germline): Uncertain significance (1 of 4 stars; one submission).

Conditions:
Nemaline myopathy 6 (NEM6). Also called: Nemaline myopathy 6, autosomal dominant. Identifiers: Orphanet 171439, MedGen C1836472, MONDO:0012237, OMIM 609273.

Submission:

Labcorp Genetics (formerly Invitae), Labcorp
Classification: Uncertain significance for Nemaline myopathy 6. Last evaluated: 2022-08-09. Review status: criteria provided, single submitter. Criteria: Invitae Variant Classification Sherloc (09022015). Collection method: clinical testing. Allele origin: germline.
Comment: This variant has not been reported in the literature in individuals affected with KBTBD13-related conditions. This sequence change replaces alanine, which is neutral and non-polar, with threonine, which is neutral and polar, at codon 85 of the KBTBD13 protein (p.Ala85Thr). This variant is not present in population databases (gnomAD no frequency). ClinVar contains an entry for this variant (Variation ID: 1418140). Algorithms developed to predict the effect of missense changes on protein structure and function are either unavailable or do not agree on the potential impact of this missense change (SIFT: "Deleterious"; PolyPhen-2: "Benign"; Align-GVGD: "Class C0"). In summary, the available evidence is currently insufficient to determine the role of this variant in disease. Therefore, it has been classified as a Variant of Uncertain Significance.

NM_001101362.3(KBTBD13):c.253G>A (p.Ala85Thr)

Gene: KBTBD13 (kelch repeat and BTB domain containing 13; plus strand). Cytogenetic location: 15q22.31.
Variant type: single nucleotide variant.
Coding change: c.253G>A on transcript NM_001101362.3 (MANE Select); coding-DNA position 253, G replaced by A.
Protein change: p.Ala85Thr; replaces alanine 85 with threonine.
Molecular consequence: missense variant.
Genome position (GRCh38, 1-based): chr15:65,077,068, G>A. VCF-style: chr15-65077068-G-A. GRCh37 (hg19) VCF-style: chr15-65369406-G-A.
Other names: short protein forms A85T.
Identifiers: ClinVar variation 1418140 (VCV001418140.6), dbSNP rs1595912432, ClinGen allele CA392859146.